The following is an entry in ClinVar:

ClinVar aggregate classification (germline): Uncertain significance (1 of 4 stars; one submission).

gnomAD v4.1: 1 of 1,208,012 alleles (0.000083%); highest among the groups gnomAD compares: African/African-American, 0.0018%; no homozygotes.

Submission:

GeneDx
Classification: Uncertain significance. Last evaluated: 2026-03-19. Review status: criteria provided, single submitter. Criteria: GeneDx Variant Classification Process June 2021. Collection method: clinical testing. Allele origin: germline.
Comment: Not observed at significant frequency in large population cohorts (gnomAD); In silico analysis supports that this missense variant has a deleterious effect on protein structure/function; Has not been previously published as pathogenic or benign to our knowledge

NM_031407.7(HUWE1):c.3857T>C (p.Val1286Ala)

Genes: HUWE1 (HECT, UBA and WWE domain containing E3 ubiquitin protein ligase 1; minus strand), LOC126863263 (BRD4-independent group 4 enhancer GRCh37_chrX:53619238-53620437; plus strand). Cytogenetic location: Xp11.22.
Variant type: single nucleotide variant.
Coding change: c.3857T>C on transcript NM_031407.7 (MANE Select); coding-DNA position 3857, T replaced by C.
Protein change: p.Val1286Ala; replaces valine 1286 with alanine.
Molecular consequence: missense variant.
Genome position (GRCh38, 1-based): chrX:53,592,513, A>G on the plus strand (T>C on the coding strand, the complement: HUWE1 is on the minus strand). VCF-style: chrX-53592513-A-G. GRCh37 (hg19) VCF-style: chrX-53619473-A-G.
Other names: c.3857T>C, p.Val1286Ala (NM_001441048.1, NM_001441049.1, NM_001441051.1 and 6 more transcripts); c.3878T>C, p.Val1293Ala (NM_001441050.1, NM_001441055.1); short protein forms V1286A, V1293A.
Identifiers: ClinVar variation 4538042 (VCV004538042.2).